The following is an entry in ClinVar:

ClinVar aggregate classification (germline): Uncertain significance (1 of 4 stars; one submission).

Conditions:
Hereditary cancer-predisposing syndrome. Also called: Tumor predisposition; Neoplastic Syndromes, Hereditary; Hereditary Cancer Syndrome; Hereditary neoplastic syndrome. Identifiers: Orphanet 140162, MedGen C0027672, MeSH D009386, MONDO:0015356.

Submission:

Ambry Genetics
Classification: Uncertain significance for Hereditary cancer-predisposing syndrome. Last evaluated: 2024-10-15. Review status: criteria provided, single submitter. Criteria: Ambry Variant Classification Scheme 2023. Collection method: clinical testing. Allele origin: germline.
Comment: The p.Y413F variant (also known as c.1238A>T), located in coding exon 8 of the FLCN gene, results from an A to T substitution at nucleotide position 1238. The tyrosine at codon 413 is replaced by phenylalanine, an amino acid with highly similar properties. This amino acid position is conserved. In addition, the in silico prediction for this alteration is inconclusive. Based on the available evidence, the clinical significance of this variant remains unclear.

NM_144997.7(FLCN):c.1238A>T (p.Tyr413Phe)

Gene: FLCN (folliculin; minus strand). Cytogenetic location: 17p11.2.
Variant type: single nucleotide variant.
Coding change: c.1238A>T on transcript NM_144997.7 (MANE Select); coding-DNA position 1238, A replaced by T.
Protein change: p.Tyr413Phe; replaces tyrosine 413 with phenylalanine.
Molecular consequence: missense variant.
Genome position (GRCh38, 1-based): chr17:17,216,442, T>A on the plus strand (A>T on the coding strand, the complement: FLCN is on the minus strand). VCF-style: chr17-17216442-T-A. GRCh37 (hg19) VCF-style: chr17-17119756-T-A.
Other names: c.1292A>T, p.Tyr431Phe (NM_001353229.2); c.1238A>T, p.Tyr413Phe (NM_001353230.2, NM_001353231.2); short protein forms Y413F, Y431F.
Identifiers: ClinVar variation 3515657 (VCV003515657.1).